The following is an entry in ClinVar:

NC_000023.10:g.(?_32235013)_(32305838_?)del

Gene: DMD (dystrophin; minus strand). Cytogenetic location: Xp21.1.
Variant type: Deletion.
Identifiers: ClinVar variation 3248161 (VCV003248161.1).

ClinVar aggregate classification (germline): Pathogenic (1 of 4 stars; one submission).

Conditions:
Duchenne muscular dystrophy (DMD). Also called: MUSCULAR DYSTROPHY, PSEUDOHYPERTROPHIC PROGRESSIVE, DUCHENNE TYPE; Duchenne Muscular Dystrophy (DMD). Identifiers: Orphanet 98896, MedGen C0013264, MONDO:0010679, OMIM 310200.

Submission:

Labcorp Genetics (formerly Invitae), Labcorp
Classification: Pathogenic for Duchenne muscular dystrophy. Last evaluated: 2023-11-29. Review status: criteria provided, single submitter. Criteria: Invitae Variant Classification Sherloc (09022015). Collection method: clinical testing. Allele origin: unknown.
Comment: This variant is a gross deletion of the genomic region encompassing exon(s) 43-44 of the DMD gene. This variant would be expected to be in-frame, preserving the integrity of the reading frame. A similar copy number variant has been observed in individuals with Duchenne or Becker muscular dystrophy (PMID: 1864612, 17259292). For these reasons, this variant has been classified as Pathogenic.

Literature cited by the submitters: PubMed 1864612; PubMed 17259292.